The following is an entry in ClinVar:

ClinVar aggregate classification (germline): Conflicting classifications of pathogenicity. Review status: criteria provided, conflicting classifications (1 of 4 stars). 6 submissions from 6 submitters: Uncertain significance (1); Benign (1); Likely benign (3). 1 of the submissions does not count toward it. Last evaluated 2026-04-21.

Conditions:
TBXAS1-related disorder. Also called: TBXAS1-related condition.

Allele frequency attached by ClinVar (database versions not stated): 1000 Genomes Project 0.00040; 1000 Genomes Project 30x 0.00047; gnomAD 0.00124; TOPMed 0.00124; ESP Exome Variant Server 0.00161; gnomAD exomes 0.00171 and 0.00190; ExAC 0.00191.
gnomAD v4.1: 2,953 of 1,613,452 alleles (0.18%); highest among the groups gnomAD compares: Non-Finnish European, 0.21%; 5 homozygotes.

Submissions (6):

Women's Health and Genetics/Laboratory Corporation of America, LabCorp
Classification: Likely benign. Last evaluated: 2026-04-21. Review status: criteria provided, single submitter. Criteria: LabCorp Variant Classification Summary - May 2015. Collection method: clinical testing. Allele origin: germline.
Comment: Variant summary: TBXAS1 c.179G>A (p.Arg60His) results in a non-conservative amino acid change in the encoded protein sequence. Algorithms developed to predict the effect of missense changes on protein structure and function are either unavailable or do not agree on the potential impact of this missense change. The variant allele was found at a frequency of 0.0018 in 1613452 control chromosomes, predominantly at a frequency of 0.003 within the Finnish subpopulation in the gnomAD v4 database. The observed variant frequency within Finnish control individuals in the gnomAD database exceeds the estimated maximal expected allele frequency for disease-causing variants in TBXAS1. .179G>A has been reported in the literature in at least an individual affected with a bleeding disorder without strong evidence for or against pathogenicity (example: Leine_2017). The report does not provide unequivocal conclusions about association of the variant with Ghosal Hematodiaphyseal Dysplasia. To our knowledge, no experimental evidence demonstrating an impact on protein function has been reported. The following publication have been ascertained in the context of this evaluation (PMID: 28748566). ClinVar contains an entry for this variant (Variation ID: 547027). Based on the evidence outlined above, the variant was classified as likely benign.

Labcorp Genetics (formerly Invitae), Labcorp
Classification: Benign. Last evaluated: 2026-01-23. Review status: criteria provided, single submitter. Criteria: Invitae Variant Classification Sherloc (09022015). Collection method: clinical testing. Allele origin: germline.

Mayo Clinic Laboratories, Mayo Clinic
Classification: Likely benign. Last evaluated: 2025-03-04. Review status: criteria provided, single submitter. Criteria: ACMG Guidelines, 2015. Collection method: clinical testing. Allele origin: germline. Observed: 3 variant alleles.
Comment: BS1, BS2_supporting, BP4_moderate

Blueprint Genetics
Classification: Likely benign. Last evaluated: 2024-11-25. Review status: criteria provided, single submitter. Criteria: ACMG Guidelines, 2015. Collection method: clinical testing. Allele origin: germline.

CeGaT Center for Human Genetics Tuebingen
Classification: Uncertain significance. Last evaluated: 2018-02-01. Review status: criteria provided, single submitter. Criteria: CeGaT Center For Human Genetics Tuebingen Variant Classification Criteria Version 2. Collection method: clinical testing. Allele origin: germline. Affected: yes. Observed: 1 variant allele.

PreventionGenetics, part of Exact Sciences
Classification: Likely benign for TBXAS1-related condition. Last evaluated: 2023-12-08. Review status: no assertion criteria provided. Collection method: clinical testing. Allele origin: germline. Not counted in ClinVar's aggregate classification.
Comment: This variant is classified as likely benign based on ACMG/AMP sequence variant interpretation guidelines (Richards et al. 2015 PMID: 25741868, with internal and published modifications).

Literature cited by the submitters: PubMed 28748566 (cited by Women's Health and Genetics/Laboratory Corporation of America, LabCorp).

NM_001061.7(TBXAS1):c.179G>A (p.Arg60His)

Gene: TBXAS1 (thromboxane A synthase 1; plus strand). Cytogenetic location: 7q34.
Variant type: single nucleotide variant.
Coding change: c.179G>A on transcript NM_001061.7 (MANE Select); coding-DNA position 179, G replaced by A.
Protein change: p.Arg60His; replaces arginine 60 with histidine.
Molecular consequence: missense variant. On other transcripts: 5 prime UTR variant (1), synonymous variant (2).
Genome position (GRCh38, 1-based): chr7:139,872,324, G>A. VCF-style: chr7-139872324-G-A. GRCh37 (hg19) VCF-style: chr7-139572123-G-A.
Other names: p.Arg60His; c.179G>A (NM_001166253.3); c.182G>A (NM_001061.4); c.179G>A, p.Arg60His (NM_001130966.5, NM_001166253.4, NM_001366538.2 and 1 more transcripts); c.-23G>A (NM_001166254.4); c.93G>A, p.Pro31= (NM_001314028.4, NM_001366537.3); short protein forms R60H.
Identifiers: ClinVar variation 547027 (VCV000547027.53), dbSNP rs6138, ClinGen allele CA4511481.